The following is an entry in ClinVar:

NM_004517.4(ILK):c.1321_1322del (p.Met441fs)

Genes: ILK (integrin linked kinase; plus strand), TAF10 (TATA-box binding protein associated factor 10; minus strand). Cytogenetic location: 11p15.4.
Variant type: Deletion.
Coding change: c.1321_1322del on transcript NM_004517.4 (MANE Select); coding-DNA positions 1321 to 1322, 2 bases deleted (AT; older notation c.1321_1322delAT).
Protein change: p.Met441fs; shifts the reading frame from methionine 441.
Molecular consequence: frameshift variant. On other transcripts: 3 prime UTR variant (1).
Genome position (GRCh38, 1-based): chr11:6,610,573-6,610,574, AT deleted. VCF-style (leftmost placement, unchanged base first): chr11-6610572-CAT-C. GRCh37 (hg19) VCF-style: chr11-6631803-CAT-C.
Other names: c.1321_1322del, p.Met441fs (NM_001014794.3, NM_001014795.3); c.1138_1139del, p.Met380fs (NM_001278441.2); c.919_920del, p.Met307fs (NM_001278442.2); c.*348_*349del (NM_006284.4); short protein forms M307fs, M380fs, M441fs.
Identifiers: ClinVar variation 1027026 (VCV001027026.7), dbSNP rs1855405973, ClinGen allele CA1950226189.
Genomic context (GRCh38, chr11:6,610,572, plus strand): 5'-TGTGTGTAAGCTCATGAAGATCTGCATGAATGAAGACCCTGCAAAGCGACCCAAATTTGA[CAT>C]GATTGTGCCTATCCTTGAGAAGATGCAGGACAAGTAGGACTGGAAGGTCCTTGCCTGAAC-3'

ClinVar aggregate classification (germline): Uncertain significance (1 of 4 stars; one submission).

Conditions:
Primary familial hypertrophic cardiomyopathy (HCM). Identifiers: Orphanet 99739, MedGen C0949658, MeSH D024741, MONDO:0024573. Inheritance: Various modes of inheritance.

Submission:

Labcorp Genetics (formerly Invitae), Labcorp
Classification: Uncertain significance for Primary familial hypertrophic cardiomyopathy. Last evaluated: 2020-10-07. Review status: criteria provided, single submitter. Criteria: Invitae Variant Classification Sherloc (09022015). Collection method: clinical testing. Allele origin: germline.
Comment: In summary, the available evidence is currently insufficient to determine the role of this variant in disease. Therefore, it has been classified as a Variant of Uncertain Significance. Experimental studies and prediction algorithms are not available or were not evaluated, and the functional significance of this variant is currently unknown. This variant has not been reported in the literature in individuals with ILK-related conditions. This variant is not present in population databases (ExAC no frequency). This sequence change results in a premature translational stop signal in the ILK gene (p.Met441Aspfs*6). While this is not anticipated to result in nonsense mediated decay, it is expected to disrupt the last 12 amino acid(s) of the ILK protein.